The following is an entry in ClinVar:

ClinVar aggregate classification (germline): Uncertain significance (1 of 4 stars; one submission).

Allele frequency attached by ClinVar (database versions not stated): gnomAD exomes below 0.00001; TOPMed below 0.00001; gnomAD 0.00001.
gnomAD v4.1: 2 of 1,613,330 alleles (0.00012%); highest among the groups gnomAD compares: Non-Finnish European, 0.00017%; no homozygotes.

Submission:

Labcorp Genetics (formerly Invitae), Labcorp
Classification: Uncertain significance. Last evaluated: 2024-10-15. Review status: criteria provided, single submitter. Criteria: Invitae Variant Classification Sherloc (09022015). Collection method: clinical testing. Allele origin: germline.
Comment: This sequence change replaces aspartic acid, which is acidic and polar, with glycine, which is neutral and non-polar, at codon 1068 of the IMPG2 protein (p.Asp1068Gly). This variant is not present in population databases (gnomAD no frequency). This variant has not been reported in the literature in individuals affected with IMPG2-related conditions. ClinVar contains an entry for this variant (Variation ID: 1043168). Invitae Evidence Modeling of protein sequence and biophysical properties (such as structural, functional, and spatial information, amino acid conservation, physicochemical variation, residue mobility, and thermodynamic stability) indicates that this missense variant is expected to disrupt IMPG2 protein function with a positive predictive value of 80%. In summary, the available evidence is currently insufficient to determine the role of this variant in disease. Therefore, it has been classified as a Variant of Uncertain Significance.

NM_016247.4(IMPG2):c.3203A>G (p.Asp1068Gly)

Gene: IMPG2 (interphotoreceptor matrix proteoglycan 2; minus strand). Cytogenetic location: 3q12.3.
Variant type: single nucleotide variant.
Coding change: c.3203A>G on transcript NM_016247.4 (MANE Select); coding-DNA position 3203, A replaced by G.
Protein change: p.Asp1068Gly; replaces aspartic acid 1068 with glycine.
Molecular consequence: missense variant.
Genome position (GRCh38, 1-based): chr3:101,232,811, T>C on the plus strand (A>G on the coding strand, the complement: IMPG2 is on the minus strand). VCF-style: chr3-101232811-T-C. GRCh37 (hg19) VCF-style: chr3-100951655-T-C.
Other names: short protein forms D1068G.
Identifiers: ClinVar variation 1043168 (VCV001043168.8), dbSNP rs1251946306, ClinGen allele CA353849706.